The following is an entry in ClinVar:

ClinVar aggregate classification (germline): Uncertain significance. Review status: criteria provided, multiple submitters, no conflicts (2 of 4 stars). 2 submissions from 2 submitters: Uncertain significance (2). Last evaluated 2025-08-22.

Conditions:
Hereditary cancer-predisposing syndrome. Also called: Tumor predisposition; Neoplastic Syndromes, Hereditary; Hereditary Cancer Syndrome; Hereditary neoplastic syndrome. Identifiers: Orphanet 140162, MedGen C0027672, MeSH D009386, MONDO:0015356.

gnomAD v4.1: 4 of 1,613,990 alleles (0.00025%); highest among the groups gnomAD compares: Non-Finnish European, 0.00034%; no homozygotes.

Submissions (2):

Ambry Genetics
Classification: Uncertain significance for Hereditary cancer-predisposing syndrome. Last evaluated: 2025-08-22. Review status: criteria provided, single submitter. Criteria: Ambry Variant Classification Scheme 2023. Collection method: clinical testing. Allele origin: germline.
Comment: The p.P198R variant (also known as c.593C>G), located in coding exon 6 of the FANCC gene, results from a C to G substitution at nucleotide position 593. The proline at codon 198 is replaced by arginine, an amino acid with dissimilar properties. This alteration was detected in 1/6385 invasive epithelial ovarian cancer cases and 0/6115 controls of broad European ancestry (Song H et al. J Med Genet, 2021 05;58:305-313). This amino acid position is highly conserved in available vertebrate species. In addition, this alteration is predicted to be deleterious by in silico analysis. Since supporting evidence is limited at this time, the clinical significance of this alteration remains unclear.

GeneDx
Classification: Uncertain significance. Last evaluated: 2022-04-14. Review status: criteria provided, single submitter. Criteria: GeneDx Variant Classification Process June 2021. Collection method: clinical testing. Allele origin: germline. Affected: yes.
Comment: Not observed at a significant frequency in large population cohorts (gnomAD); In silico analysis supports that this missense variant has a deleterious effect on protein structure/function; Has not been previously published as pathogenic or benign to our knowledge

Literature cited by the submitters: PubMed 32546565 (cited by Ambry Genetics).

NM_000136.3(FANCC):c.593C>G (p.Pro198Arg)

Genes: AOPEP (aminopeptidase O (putative); plus strand), FANCC (FA complementation group C; minus strand). Cytogenetic location: 9q22.32.
Variant type: single nucleotide variant.
Coding change: c.593C>G on transcript NM_000136.3 (MANE Select); coding-DNA position 593, C replaced by G.
Protein change: p.Pro198Arg; replaces proline 198 with arginine.
Molecular consequence: missense variant.
Genome position (GRCh38, 1-based): chr9:95,150,016, G>C on the plus strand (C>G on the coding strand, the complement: FANCC is on the minus strand). VCF-style: chr9-95150016-G-C. GRCh37 (hg19) VCF-style: chr9-97912298-G-C.
Other names: c.593C>G, p.Pro198Arg (NM_001243743.2, NM_001243744.2); short protein forms P198R.
Identifiers: ClinVar variation 1309964 (VCV001309964.6), dbSNP rs534655551, ClinGen allele CA196573177.